The following is an entry in ClinVar:

ClinVar aggregate classification (germline): Uncertain significance. Review status: criteria provided, multiple submitters, no conflicts (2 of 4 stars). 2 submissions from 2 submitters: Uncertain significance (2). Last evaluated 2026-07-02.

Conditions:
Hereditary nonpolyposis colorectal neoplasms. Identifiers: MedGen C0009405, MeSH D003123.
Hereditary cancer-predisposing syndrome. Also called: Hereditary Cancer Syndrome; Neoplastic Syndromes, Hereditary; Hereditary neoplastic syndrome; Tumor predisposition. Identifiers: Orphanet 140162, MedGen C0027672, MeSH D009386, MONDO:0015356.

Submissions (2):

Ambry Genetics
Classification: Uncertain significance for Hereditary cancer-predisposing syndrome. Last evaluated: 2026-07-02. Review status: criteria provided, single submitter. Criteria: Ambry Variant Classification Scheme 2023. Collection method: clinical testing. Allele origin: germline.
Comment: The p.P656R variant (also known as c.1967C>G), located in coding exon 4 of the MSH6 gene, results from a C to G substitution at nucleotide position 1967. The proline at codon 656 is replaced by arginine, an amino acid with dissimilar properties. This amino acid position is conserved. In addition, this alteration is predicted to be deleterious by in silico analysis. Based on the available evidence, the clinical significance of this variant remains unclear.

Labcorp Genetics (formerly Invitae), Labcorp
Classification: Uncertain significance for Hereditary nonpolyposis colorectal neoplasms. Last evaluated: 2020-12-20. Review status: criteria provided, single submitter. Criteria: Invitae Variant Classification Sherloc (09022015). Collection method: clinical testing. Allele origin: germline.
Comment: This sequence change replaces proline with arginine at codon 656 of the MSH6 protein (p.Pro656Arg). The proline residue is highly conserved and there is a moderate physicochemical difference between proline and arginine. This variant is not present in population databases (ExAC no frequency). This variant has not been reported in the literature in individuals with MSH6-related conditions. Advanced modeling of protein sequence and biophysical properties (such as structural, functional, and spatial information, amino acid conservation, physicochemical variation, residue mobility, and thermodynamic stability) performed at Invitae indicates that this missense variant is expected to disrupt MSH6 protein function. In summary, the available evidence is currently insufficient to determine the role of this variant in disease. Therefore, it has been classified as a Variant of Uncertain Significance.

NM_000179.3(MSH6):c.1967C>G (p.Pro656Arg)

Gene: MSH6 (mutS homolog 6; plus strand). Cytogenetic location: 2p16.3.
Variant type: single nucleotide variant.
Coding change: c.1967C>G on transcript NM_000179.3 (MANE Select); coding-DNA position 1967, C replaced by G.
Protein change: p.Pro656Arg; replaces proline 656 with arginine.
Molecular consequence: missense variant.
Genome position (GRCh38, 1-based): chr2:47,799,950, C>G. VCF-style: chr2-47799950-C-G. GRCh37 (hg19) VCF-style: chr2-48027089-C-G.
Other names: c.1577C>G, p.Pro526Arg (NM_001281492.2); c.1061C>G, p.Pro354Arg (NM_001281493.2, NM_001281494.2); c.1967C>G (NM_000179.2); short protein forms P354R, P526R, P656R.
Identifiers: ClinVar variation 1363516 (VCV001363516.9), dbSNP rs1669401102, ClinGen allele CA346750596.